The following is an entry in ClinVar:

ClinVar aggregate classification (germline): Pathogenic (1 of 4 stars; one submission).

Conditions:
Retinitis pigmentosa 12 (RP12). Also called: RP WITH OR WITHOUT PPRPE; RP WITH OR WITHOUT PRESERVED PARAARTERIOLE RETINAL PIGMENT EPITHELIUM; RETINITIS PIGMENTOSA WITH OR WITHOUT PARAARTERIOLAR PRESERVATION OF RETINAL PIGMENT EPITHELIUM. Identifiers: Orphanet 791, MedGen C1838647, MONDO:0010818, OMIM 600105.
Leber congenital amaurosis 8 (LCA8). Identifiers: Orphanet 65, MedGen C3151202, MONDO:0013453, OMIM 613835.

Submission:

Labcorp Genetics (formerly Invitae), Labcorp
Classification: Pathogenic for Leber congenital amaurosis 8; Retinitis pigmentosa 12. Last evaluated: 2021-10-07. Review status: criteria provided, single submitter. Criteria: Invitae Variant Classification Sherloc (09022015). Collection method: clinical testing. Allele origin: germline.
Comment: This variant is not present in population databases (ExAC no frequency). This sequence change creates a premature translational stop signal (p.Asn858Lysfs*51) in the CRB1 gene. It is expected to result in an absent or disrupted protein product. Loss-of-function variants in CRB1 are known to be pathogenic (PMID: 10508521, 22065545, 23379534, 25412400, 26957898, 28041643, 29391521). This variant has not been reported in the literature in individuals affected with CRB1-related conditions. For these reasons, this variant has been classified as Pathogenic.

Literature cited by the submitters: PubMed 10508521; PubMed 22065545; PubMed 23379534; PubMed 25412400; PubMed 26957898; PubMed 28041643; PubMed 29391521.

NM_201253.3(CRB1):c.2570dup (p.Asn858fs)

Gene: CRB1 (crumbs cell polarity complex component 1; plus strand). Cytogenetic location: 1q31.3.
Variant type: Duplication.
Coding change: c.2570dup on transcript NM_201253.3 (MANE Select); coding-DNA position 2570, one base duplicated (T; older notation c.2570dupT).
Protein change: p.Asn858fs; shifts the reading frame from asparagine 858.
Molecular consequence: frameshift variant. On other transcripts: non-coding transcript variant (2), intron variant (1).
Genome position (GRCh38, 1-based): chr1:197,427,895, T duplicated. VCF-style (leftmost placement, unchanged base first): chr1-197427894-C-CT. GRCh37 (hg19) VCF-style: chr1-197397024-C-CT.
Other names: c.2234dup, p.Asn746fs (NM_001193640.2); c.2363dup, p.Asn789fs (NM_001257965.2); c.2128+5939dup (NM_001257966.2); short protein forms N789fs, N858fs, N746fs.
Identifiers: ClinVar variation 1454340 (VCV001454340.6), dbSNP rs2125485135, ClinGen allele CA2573131447.